The following is an entry in ClinVar:

NM_053025.4(MYLK):c.358G>A (p.Glu120Lys)

Gene: MYLK (myosin light chain kinase; minus strand). Cytogenetic location: 3q21.1.
Variant type: single nucleotide variant.
Coding change: c.358G>A on transcript NM_053025.4 (MANE Select); coding-DNA position 358, G replaced by A.
Protein change: p.Glu120Lys; replaces glutamic acid 120 with lysine.
Molecular consequence: missense variant. On other transcripts: intron variant (1).
Genome position (GRCh38, 1-based): chr3:123,752,346, C>T on the plus strand (G>A on the coding strand, the complement: MYLK is on the minus strand). VCF-style: chr3-123752346-C-T. GRCh37 (hg19) VCF-style: chr3-123471193-C-T.
Other names: c.358G>A, p.Glu120Lys (NM_053026.4, NM_053027.4, NM_053028.4); c.-155-12345G>A (NM_001321309.2); short protein forms E120K.
Identifiers: ClinVar variation 1016586 (VCV001016586.6), dbSNP rs2063221778, ClinGen allele CA354243862.

ClinVar aggregate classification (germline): Uncertain significance (1 of 4 stars; one submission).

Conditions:
Aortic aneurysm, familial thoracic 7 (AAT7). Also called: AORTIC DISSECTION, FAMILIAL, WITH OR WITHOUT AORTIC ANEURYSM. Identifiers: MedGen C3151077, MONDO:0013418, OMIM 613780.

Submission:

Labcorp Genetics (formerly Invitae), Labcorp
Classification: Uncertain significance for Aortic aneurysm, familial thoracic 7. Last evaluated: 2020-10-16. Review status: criteria provided, single submitter. Criteria: Invitae Variant Classification Sherloc (09022015). Collection method: clinical testing. Allele origin: germline.
Comment: This variant has not been reported in the literature in individuals with MYLK-related conditions. This variant is not present in population databases (ExAC no frequency). This sequence change replaces glutamic acid with lysine at codon 120 of the MYLK protein (p.Glu120Lys). The glutamic acid residue is highly conserved and there is a small physicochemical difference between glutamic acid and lysine. In summary, the available evidence is currently insufficient to determine the role of this variant in disease. Therefore, it has been classified as a Variant of Uncertain Significance. Advanced modeling of protein sequence and biophysical properties (such as structural, functional, and spatial information, amino acid conservation, physicochemical variation, residue mobility, and thermodynamic stability) performed at Invitae indicates that this missense variant is not expected to disrupt MYLK protein function.